The following is an entry in ClinVar:

ClinVar aggregate classification (germline): Uncertain significance (1 of 4 stars; one submission).

Submission:

Labcorp Genetics (formerly Invitae), Labcorp
Classification: Uncertain significance. Last evaluated: 2017-11-10. Review status: criteria provided, single submitter. Criteria: Invitae Variant Classification Sherloc (09022015). Collection method: clinical testing. Allele origin: germline.
Comment: This variant is a gross duplication of the genomic region encompassing exon 2 of the XRCC2 gene. While the exact position of the duplicated exons cannot be determined from this data, sub-genic duplications are generally in tandem (PMID: 25640679) and may result in an absent or disrupted protein product. This variant has not been reported in the literature in individuals with XRCC2-related disease. The current clinical and genetic evidence is not sufficient to establish whether loss-of-function variants in XRCC2 cause disease. In summary, the available evidence is currently insufficient to determine the role of this variant in disease. Therefore, it has been classified as a Variant of Uncertain Significance.

Literature cited by the submitters: PubMed 25640679.

NC_000007.13:g.(?_152357780)_(152357873_?)dup

Gene: XRCC2 (X-ray repair cross complementing 2; minus strand). Cytogenetic location: 7q36.1.
Variant type: Duplication.
Identifiers: ClinVar variation 1023282 (VCV001023282.1).